The following is an entry in ClinVar:

ClinVar aggregate classification (germline): Uncertain significance. Review status: criteria provided, multiple submitters, no conflicts (2 of 4 stars). 5 submissions from 5 submitters: Uncertain significance (4). 1 of the submissions does not count toward it. Last evaluated 2025-03-19.

Conditions:
Fanconi anemia (FA). Also called: Fanconi's anemia. Identifiers: Orphanet 84, MedGen C0015625, MeSH D005199, MONDO:0019391.
Inborn genetic diseases. Identifiers: MedGen C0950123, MeSH D030342.
Fanconi anemia complementation group A (FANCA). Also called: Fanconi anemia, group A; FANCA-Related Fanconi Anemia. Identifiers: Orphanet 84, MedGen C3469521, MONDO:0009215, OMIM 227650.

Allele frequency attached by ClinVar (database versions not stated): gnomAD exomes below 0.00001.
gnomAD v4.1: 1 of 1,524,576 alleles (0.000066%); highest among the groups gnomAD compares: Non-Finnish European, 0.000087%; no homozygotes.

Submissions (5):

Ambry Genetics
Classification: Uncertain significance for Inborn genetic diseases. Last evaluated: 2025-03-19. Review status: criteria provided, single submitter. Criteria: Ambry Variant Classification Scheme 2023. Collection method: clinical testing. Allele origin: germline.
Comment: The p.Q13R variant (also known as c.38A>G), located in coding exon 1 of the FANCA gene, results from an A to G substitution at nucleotide position 38. The glutamine at codon 13 is replaced by arginine, an amino acid with highly similar properties. This amino acid position is conserved. In addition, this alteration is predicted to be tolerated by in silico analysis. Based on the available evidence, the clinical significance of this variant remains unclear.

Quest Diagnostics Nichols Institute San Juan Capistrano
Classification: Uncertain significance. Last evaluated: 2024-01-25. Review status: criteria provided, single submitter. Criteria: Quest Diagnostics criteria. Collection method: clinical testing. Allele origin: unknown.

Labcorp Genetics (formerly Invitae), Labcorp
Classification: Uncertain significance for Fanconi anemia. Last evaluated: 2022-07-19. Review status: criteria provided, single submitter. Criteria: Invitae Variant Classification Sherloc (09022015). Collection method: clinical testing. Allele origin: germline.
Comment: This sequence change replaces glutamine, which is neutral and polar, with arginine, which is basic and polar, at codon 13 of the FANCA protein (p.Gln13Arg). This variant is not present in population databases (gnomAD no frequency). This variant has not been reported in the literature in individuals affected with FANCA-related conditions. ClinVar contains an entry for this variant (Variation ID: 1023296). Advanced modeling of protein sequence and biophysical properties (such as structural, functional, and spatial information, amino acid conservation, physicochemical variation, residue mobility, and thermodynamic stability) performed at Invitae indicates that this missense variant is not expected to disrupt FANCA protein function. In summary, the available evidence is currently insufficient to determine the role of this variant in disease. Therefore, it has been classified as a Variant of Uncertain Significance.

Fulgent Genetics
Classification: Uncertain significance for Fanconi anemia complementation group A. Last evaluated: 2021-12-17. Review status: criteria provided, single submitter. Criteria: ACMG Guidelines, 2015. Collection method: clinical testing. Allele origin: unknown.

Natera, Inc.
Classification: Uncertain significance for Fanconi anemia. Last evaluated: 2020-03-25. Review status: no assertion criteria provided. Collection method: clinical testing. Allele origin: germline. Not counted in ClinVar's aggregate classification.

NM_000135.4(FANCA):c.38A>G (p.Gln13Arg)

Genes: FANCA (FA complementation group A; minus strand), LOC112486223 (Sharpr-MPRA regulatory region 3988; plus strand). Cytogenetic location: 16q24.3.
Variant type: single nucleotide variant.
Coding change: c.38A>G on transcript NM_000135.4 (MANE Select); coding-DNA position 38, A replaced by G.
Protein change: p.Gln13Arg; replaces glutamine 13 with arginine.
Molecular consequence: missense variant.
Genome position (GRCh38, 1-based): chr16:89,816,578, T>C on the plus strand (A>G on the coding strand, the complement: FANCA is on the minus strand). VCF-style: chr16-89816578-T-C. GRCh37 (hg19) VCF-style: chr16-89882986-T-C.
Other names: c.38A>G (NM_000135.2, NM_000135.3); c.38A>G, p.Gln13Arg (NM_001018112.3, NM_001286167.3, NM_001351830.2); short protein forms Q13R.
Identifiers: ClinVar variation 1023296 (VCV001023296.8), dbSNP rs1264855885, ClinGen allele CA397484527.